The following is an entry in ClinVar:

NM_024675.4(PALB2):c.42G>A (p.Lys14=)

Gene: PALB2 (partner and localizer of BRCA2; minus strand). Cytogenetic location: 16p12.2.
Variant type: single nucleotide variant.
Coding change: c.42G>A on transcript NM_024675.4 (MANE Select); coding-DNA position 42, G replaced by A.
Protein change: p.Lys14=; no amino-acid change (lysine 14 retained).
Molecular consequence: synonymous variant.
Genome position (GRCh38, 1-based): chr16:23,641,116, C>T on the plus strand (G>A on the coding strand, the complement: PALB2 is on the minus strand). VCF-style: chr16-23641116-C-T. GRCh37 (hg19) VCF-style: chr16-23652437-C-T.
Identifiers: ClinVar variation 461003 (VCV000461003.15), dbSNP rs1555462505, ClinGen allele CA494168458.

ClinVar aggregate classification (germline): Benign/Likely benign. Review status: criteria provided, multiple submitters, no conflicts (2 of 4 stars). 5 submissions from 5 submitters: Benign (1); Likely benign (4). Last evaluated 2025-01-09.

Conditions:
Hereditary cancer-predisposing syndrome. Also called: Neoplastic Syndromes, Hereditary; Hereditary Cancer Syndrome; Hereditary neoplastic syndrome; Tumor predisposition. Identifiers: Orphanet 140162, MedGen C0027672, MeSH D009386, MONDO:0015356.
Familial cancer of breast. Also called: hereditary breast carcinoma; Hereditary breast cancer; BREAST CANCER, FAMILIAL. Identifiers: Orphanet 227535, MedGen C0346153, MONDO:0016419, OMIM 114480. Disease mechanism: loss of function.

gnomAD v4.1: 1 of 1,613,548 alleles (0.000062%); no homozygotes.

Submissions (5):

Myriad Genetics, Inc.
Classification: Benign for Familial cancer of breast. Last evaluated: 2025-01-09. Review status: criteria provided, single submitter. Criteria: Myriad Autosomal Dominant, Autosomal Recessive and X-Linked Classification Criteria (2023). Collection method: clinical testing. Allele origin: unknown.
Comment: This variant is considered benign. This variant is a silent/synonymous amino acid change and it is not expected to impact splicing.

Labcorp Genetics (formerly Invitae), Labcorp
Classification: Likely benign for Familial cancer of breast. Last evaluated: 2024-11-27. Review status: criteria provided, single submitter. Criteria: Invitae Variant Classification Sherloc (09022015). Collection method: clinical testing. Allele origin: germline.

Color Diagnostics, LLC DBA Color Health
Classification: Likely benign for Hereditary cancer-predisposing syndrome. Last evaluated: 2022-03-17. Review status: criteria provided, single submitter. Criteria: ACMG Guidelines, 2015. Collection method: clinical testing. Allele origin: germline.

Ambry Genetics
Classification: Likely benign for Hereditary cancer-predisposing syndrome. Last evaluated: 2021-04-13. Review status: criteria provided, single submitter. Criteria: Ambry Variant Classification Scheme 2023. Collection method: clinical testing. Allele origin: germline.

Blueprint Genetics
Classification: Likely benign. Last evaluated: 2020-02-11. Review status: criteria provided, single submitter. Criteria: ACMG Guidelines, 2015. Collection method: clinical testing. Allele origin: germline.